The following is an entry in ClinVar:

ClinVar aggregate classification (germline): Uncertain significance. Review status: criteria provided, multiple submitters, no conflicts (2 of 4 stars). 3 submissions from 3 submitters: Uncertain significance (3). Last evaluated 2021-12-22.

Conditions:
Cerebral palsy, spastic quadriplegic, 2 (CPSQ2). Identifiers: Orphanet 210141, MedGen C2752061, MONDO:0013033, OMIM 612900.

Allele frequency attached by ClinVar (database versions not stated): gnomAD exomes below 0.00001 and 0.00002; ExAC 0.00001; gnomAD 0.00002; TOPMed 0.00002.

Submissions (3):

Fulgent Genetics
Classification: Uncertain significance for Cerebral palsy, spastic quadriplegic, 2. Last evaluated: 2021-12-22. Review status: criteria provided, single submitter. Criteria: ACMG Guidelines, 2015. Collection method: clinical testing. Allele origin: unknown.

Ambry Genetics
Classification: Uncertain significance. Last evaluated: 2021-07-20. Review status: criteria provided, single submitter. Criteria: Ambry Variant Classification Scheme 2023. Collection method: clinical testing. Allele origin: germline.

Labcorp Genetics (formerly Invitae), Labcorp
Classification: Uncertain significance. Last evaluated: 2020-12-17. Review status: criteria provided, single submitter. Criteria: Invitae Variant Classification Sherloc (09022015). Collection method: clinical testing. Allele origin: germline.
Comment: This sequence change replaces methionine with threonine at codon 1046 of the KANK1 protein (p.Met1046Thr). The methionine residue is moderately conserved and there is a moderate physicochemical difference between methionine and threonine. This variant is present in population databases (rs746428922, ExAC 0.001%). This variant has not been reported in the literature in individuals with KANK1-related conditions. Algorithms developed to predict the effect of missense changes on protein structure and function output the following: SIFT: "Tolerated"; PolyPhen-2: "Benign"; Align-GVGD: "Class C0". The threonine amino acid residue is found in multiple mammalian species, suggesting that this missense change does not adversely affect protein function. These predictions have not been confirmed by published functional studies and their clinical significance is uncertain. In summary, the available evidence is currently insufficient to determine the role of this variant in disease. Therefore, it has been classified as a Variant of Uncertain Significance.

NM_015158.5(KANK1):c.3137T>C (p.Met1046Thr)

Gene: KANK1 (KN motif and ankyrin repeat domains 1; plus strand). Cytogenetic location: 9p24.3.
Variant type: single nucleotide variant.
Coding change: c.3137T>C on transcript NM_015158.5 (MANE Select); coding-DNA position 3137, T replaced by C.
Protein change: p.Met1046Thr; replaces methionine 1046 with threonine.
Molecular consequence: missense variant. On other transcripts: intron variant (5).
Genome position (GRCh38, 1-based): chr9:732,509, T>C. VCF-style: chr9-732509-T-C. GRCh37 (hg19) VCF-style: chr9-732509-T-C.
Other names: c.3137T>C, p.Met1046Thr (NM_001256876.3, NM_001256877.3, NM_001354334.2); c.3083T>C, p.Met1028Thr (NM_001354332.2); c.2663T>C, p.Met888Thr (NM_001354333.2, NM_001354335.2, NM_001354337.2 and 2 more transcripts); c.2609T>C, p.Met870Thr (NM_001354338.2, NM_001354340.2, NM_001354344.2); c.3005+1243T>C (NM_001354331.2); c.2477+1243T>C (NM_001354336.2); c.2531+1243T>C (NM_001354339.2, NM_001354343.2, NM_001354342.2); c.3137T>C (NM_015158.2); short protein forms M888T, M1028T, M1046T, M870T.
Identifiers: ClinVar variation 1478884 (VCV001478884.10), dbSNP rs746428922, ClinGen allele CA4960791.
Genomic context (GRCh38, chr9:732,509, plus strand): 5'-ATGTCATTGAGTATCCTCTTGAAGAAGAGGAGGAGGAGGAGGATGAAGACACTCGGGGAA[T>C]GGCAGAAGGGCACCATGCAGTTAATATTGAAGGTTTGAAGTCTGCCAGGGTGGAAGATGA-3'
Protein context (NP_055973.2, residues 1036-1056): EEEEDEDTRG[Met1046Thr]AEGHHAVNIE